The following is an entry in ClinVar:

ClinVar aggregate classification (germline): Uncertain significance (1 of 4 stars; one submission).

Submission:

Labcorp Genetics (formerly Invitae), Labcorp
Classification: Uncertain significance. Last evaluated: 2023-03-29. Review status: criteria provided, single submitter. Criteria: Invitae Variant Classification Sherloc (09022015). Collection method: clinical testing. Allele origin: germline.
Comment: This sequence change replaces aspartic acid, which is acidic and polar, with asparagine, which is neutral and polar, at codon 174 of the APOA1 protein (p.Asp174Asn). This variant is not present in population databases (gnomAD no frequency). This variant has not been reported in the literature in individuals affected with APOA1-related conditions. Advanced modeling of protein sequence and biophysical properties (such as structural, functional, and spatial information, amino acid conservation, physicochemical variation, residue mobility, and thermodynamic stability) has been performed at Invitae for this missense variant, however the output from this modeling did not meet the statistical confidence thresholds required to predict the impact of this variant on APOA1 protein function. In summary, the available evidence is currently insufficient to determine the role of this variant in disease. Therefore, it has been classified as a Variant of Uncertain Significance.

NM_000039.3(APOA1):c.520G>A (p.Asp174Asn)

Gene: APOA1 (apolipoprotein A1; minus strand). Cytogenetic location: 11q23.3.
Variant type: single nucleotide variant.
Coding change: c.520G>A on transcript NM_000039.3 (MANE Select); coding-DNA position 520, G replaced by A.
Protein change: p.Asp174Asn; replaces aspartic acid 174 with asparagine.
Molecular consequence: missense variant.
Genome position (GRCh38, 1-based): chr11:116,836,092, C>T on the plus strand (G>A on the coding strand, the complement: APOA1 is on the minus strand). VCF-style: chr11-116836092-C-T. GRCh37 (hg19) VCF-style: chr11-116706808-C-T.
Other names: c.520G>A, p.Asp174Asn (NM_001318017.2, NM_001318018.2, NM_001425090.1); c.193G>A, p.Asp65Asn (NM_001318021.2, NM_001425091.1, NM_001425092.1); c.475G>A, p.Asp159Asn (NM_001425093.1); short protein forms D159N, D174N, D65N.
Identifiers: ClinVar variation 2850625 (VCV002850625.3), dbSNP rs2540289136, ClinGen allele CA382715361.
Genomic context (GRCh38, chr11:116,836,092, plus strand): 5'-GCTCGTCGCTGTAGGGGGCCAGATGCGTGCGCAGCGCGTCCACATGGGCGCGCGCGCGGT[C>T]GCGCATCTCCTCGCCCAGTGGGCTCAGCTTCTCTTGCAGCTCGTGCAGCTTCTGGCGCGC-3'
Protein context (NP_000030.1, residues 164-184): KLSPLGEEMR[Asp174Asn]RARAHVDALR